The following is an entry in ClinVar:

ClinVar aggregate classification (germline): Uncertain significance (1 of 4 stars; one submission).

Conditions:
Hereditary cancer-predisposing syndrome. Also called: Neoplastic Syndromes, Hereditary; Tumor predisposition; Hereditary Cancer Syndrome; Hereditary neoplastic syndrome. Identifiers: Orphanet 140162, MedGen C0027672, MeSH D009386, MONDO:0015356.

Submission:

Ambry Genetics
Classification: Uncertain significance for Hereditary cancer-predisposing syndrome. Last evaluated: 2025-08-25. Review status: criteria provided, single submitter. Criteria: Ambry Variant Classification Scheme 2023. Collection method: clinical testing. Allele origin: germline.
Comment: The p.Q581E variant (also known as c.1741C>G), located in coding exon 11 of the NBN gene, results from a C to G substitution at nucleotide position 1741. The glutamine at codon 581 is replaced by glutamic acid, an amino acid with highly similar properties. This variant was not reported in population based cohorts in the following databases: Database of Single Nucleotide Polymorphisms (dbSNP), NHLBI Exome Sequencing Project (ESP), and 1000 Genomes Project. In the ESP, this variant was not observed in 6502 samples (13004 alleles) with coverage at this position. To date, this alteration has been detected with an allele frequency of approximately 0.001% (greater than 120000 alleles tested) in our clinical cohort. This amino acid position is poorly conserved in available vertebrate species. In addition, this alteration is predicted to be tolerated by in silico analysis. Since supporting evidence is limited at this time, the clinical significance of this alteration remains unclear.

NM_002485.5(NBN):c.1741C>G (p.Gln581Glu)

Gene: NBN (nibrin; minus strand). Cytogenetic location: 8q21.3.
Variant type: single nucleotide variant.
Coding change: c.1741C>G on transcript NM_002485.5 (MANE Select); coding-DNA position 1741, C replaced by G.
Protein change: p.Gln581Glu; replaces glutamine 581 with glutamic acid.
Molecular consequence: missense variant.
Genome position (GRCh38, 1-based): chr8:89,953,348, G>C on the plus strand (C>G on the coding strand, the complement: NBN is on the minus strand). VCF-style: chr8-89953348-G-C. GRCh37 (hg19) VCF-style: chr8-90965576-G-C.
Other names: c.1495C>G, p.Gln499Glu (NM_001024688.3); short protein forms Q581E, Q499E.
Identifiers: ClinVar variation 481842 (VCV000481842.6), dbSNP rs1337679118, ClinGen allele CA371655200.
Genomic context (GRCh38, chr8:89,953,348, plus strand): 5'-CATTTGTTTCTATATCCATCCTTGGCCTTTTTCTAACATTGACATCTTCCTCCTGTTTTT[G>C]AACTTTCACATCAATTTCTAACTCTGGTTTTGTGTCCTTGAATAACTGTTCCAATACTTC-3'
Protein context (NP_002476.2, residues 571-591): KPELEIDVKV[Gln581Glu]KQEEDVNVRK